The following is an entry in ClinVar:

NM_152564.5(VPS13B):c.4302_4304dup (p.Lys1434dup)

Gene: VPS13B (vacuolar protein sorting 13 homolog B; plus strand). Cytogenetic location: 8q22.2.
Variant type: Duplication.
Coding change: c.4302_4304dup on transcript NM_152564.5 (MANE Select); coding-DNA positions 4302 to 4304, 3 bases duplicated (AAA; older notation c.4302_4304dupAAA).
Protein change: p.Lys1434dup; duplicates lysine 1434.
Molecular consequence: inframe insertion.
Genome position (GRCh38, 1-based): chr8:99,511,181-99,511,183, AAA duplicated; duplicating any 3 consecutive bases within chr8:99,511,178-99,511,183 gives the same sequence; the c. name uses the placement nearest the transcript's 3' end. VCF-style (leftmost placement, unchanged base first): chr8-99511177-C-CAAA. GRCh37 (hg19) VCF-style: chr8-100523405-C-CAAA.
Other names: c.4377_4379dup, p.Lys1459dup (NM_017890.5); c.4377_4379dupAAA (NM_017890.4).
Identifiers: ClinVar variation 645286 (VCV000645286.6), dbSNP rs1297058561, ClinGen allele CA857569809.

ClinVar aggregate classification (germline): Uncertain significance (1 of 4 stars; one submission).

Conditions:
Cohen syndrome (COH1). Also called: PEPPER SYNDROME; Cutis verticis gyrata, retinitis pigmentosa, and sensorineural deafness. Identifiers: Orphanet 193, MedGen C0265223, MONDO:0008999, OMIM 216550.

Submission:

Labcorp Genetics (formerly Invitae), Labcorp
Classification: Uncertain significance for Cohen syndrome. Last evaluated: 2021-08-27. Review status: criteria provided, single submitter. Criteria: Invitae Variant Classification Sherloc (09022015). Collection method: clinical testing. Allele origin: germline.
Comment: This variant, c.4377_4379dup, results in the insertion of 1 amino acid(s) to the VPS13B protein (p.Lys1459dup), but otherwise preserves the integrity of the reading frame. This variant is not present in population databases (ExAC no frequency). This variant has not been reported in the literature in individuals affected with VPS13B-related conditions. Experimental studies and prediction algorithms are not available or were not evaluated, and the functional significance of this variant is currently unknown. In summary, the available evidence is currently insufficient to determine the role of this variant in disease. Therefore, it has been classified as a Variant of Uncertain Significance.